The following is an entry in ClinVar:

NM_032043.3(BRIP1):c.3447A>C (p.Leu1149=)

Gene: BRIP1 (BRCA1 interacting DNA helicase 1; minus strand). Cytogenetic location: 17q23.2.
Variant type: single nucleotide variant.
Coding change: c.3447A>C on transcript NM_032043.3 (MANE Select); coding-DNA position 3447, A replaced by C.
Protein change: p.Leu1149=; no amino-acid change (leucine 1149 retained).
Molecular consequence: synonymous variant.
Genome position (GRCh38, 1-based): chr17:61,683,599, T>G on the plus strand (A>C on the coding strand, the complement: BRIP1 is on the minus strand). VCF-style: chr17-61683599-T-G. GRCh37 (hg19) VCF-style: chr17-59760960-T-G.
Identifiers: ClinVar variation 3378917 (VCV003378917.1).
Genomic context (GRCh38, chr17:61,683,599, plus strand): 5'-GTCTTTAGCTAAAATGCAATCTGAATTGTTAGCCAATCTATTTCCTCTATCAGTTTCAGC[T>G]AGGTCATTTTTTTCTTCATCTGTATCTTCAGGATCATAAAGTTCAGGTGTAAAATAGATA-3'
Protein context (NP_114432.2, residues 1139-1159): PEDTDEEKND[Leu1149=]AETDRGNRLA

ClinVar aggregate classification (germline): Benign (1 of 4 stars; one submission).

Conditions:
Familial cancer of breast. Also called: hereditary breast carcinoma; Hereditary breast cancer; BREAST CANCER, FAMILIAL. Identifiers: Orphanet 227535, MedGen C0346153, MONDO:0016419, OMIM 114480. Disease mechanism: loss of function.

gnomAD v4.1: 1 of 1,612,336 alleles (0.000062%); highest among the groups gnomAD compares: Non-Finnish European, 0.000085%; no homozygotes.

Submission:

Myriad Genetics, Inc.
Classification: Benign for Familial cancer of breast. Last evaluated: 2024-09-10. Review status: criteria provided, single submitter. Criteria: Myriad Autosomal Dominant, Autosomal Recessive and X-Linked Classification Criteria (2023). Collection method: clinical testing. Allele origin: unknown.
Comment: This variant is considered benign. This variant is a silent/synonymous amino acid change and it is not expected to impact splicing.